The following is an entry in ClinVar:

ClinVar aggregate classification (germline): Uncertain significance (1 of 4 stars; one submission).
ClinVar aggregate classification (somatic clinical impact): Tier II - Potential (1 of 4 stars; one submission).

Conditions:
Inborn genetic diseases. Identifiers: MedGen C0950123, MeSH D030342.
Diffuse midline glioma, H3 K27M-mutant. Identifiers: MedGen C4289688, MONDO:0957196.

Allele frequency attached by ClinVar (database versions not stated): gnomAD 0.00001; gnomAD exomes 0.00001; TOPMed 0.00001.
gnomAD v4.1: 19 of 1,472,342 alleles (0.0013%); highest among the groups gnomAD compares: Non-Finnish European, 0.0016%; no homozygotes.

Submissions (2):

Institute for Genomic Medicine (IGM) Clinical Laboratory, Nationwide Children's Hospital
Classification: Tier II - Potential for Diffuse midline glioma, H3 K27M-mutant. Assertion type: diagnostic. Clinical significance: supports diagnosis. Last evaluated: 2023-11-28. Review status: criteria provided, single submitter. Criteria: AMP/ASCO/CAP Guidelines, 2017. Collection method: clinical testing. Allele origin: somatic. Affected: yes.
Comment: Variant has Tier II (potential) clinical significance as a diagnostic inclusion criterion in diffuse midline glioma, H3 K27M-mutant, based on the following evidence: 1) Documented in one or more cancer databases (e.g., St. Jude Pecan, COSMIC, CIViC, OncoKB). 2) Diagnostic significance based on multiple small studies (Evidence Level C; PMIDs: 28966033, 29763623).

Ambry Genetics
Classification: Uncertain significance for Inborn genetic diseases. Last evaluated: 2023-03-13. Review status: criteria provided, single submitter. Criteria: Ambry Variant Classification Scheme 2023. Collection method: clinical testing. Allele origin: germline.

Literature cited by the submitters: PubMed 28966033 (cited by Institute for Genomic Medicine (IGM) Clinical Laboratory, Nationwide Children's Hospital); PubMed 29763623 (cited by Institute for Genomic Medicine (IGM) Clinical Laboratory, Nationwide Children's Hospital).

NM_001353345.2(SETD1B):c.2308G>A (p.Gly770Ser)

Gene: SETD1B (SET domain containing 1B, histone lysine methyltransferase; plus strand). Cytogenetic location: 12q24.31.
Variant type: single nucleotide variant.
Coding change: c.2308G>A on transcript NM_001353345.2 (MANE Select); coding-DNA position 2308, G replaced by A.
Protein change: p.Gly770Ser; replaces glycine 770 with serine.
Molecular consequence: missense variant.
Genome position (GRCh38, 1-based): chr12:121,814,523, G>A. VCF-style: chr12-121814523-G-A. GRCh37 (hg19) VCF-style: chr12-122252429-G-A.
Other names: NM_015048.1:c.2308G>A; short protein forms G770S.
Identifiers: ClinVar variation 2495547 (VCV002495547.3), dbSNP rs1230495334, ClinGen allele CA386994372.